The following is an entry in ClinVar:

NM_000719.7(CACNA1C):c.2807T>G (p.Phe936Cys)

Gene: CACNA1C (calcium voltage-gated channel subunit alpha1 C; plus strand). Cytogenetic location: 12p13.33.
Variant type: single nucleotide variant.
Coding change: c.2807T>G on transcript NM_000719.7 (MANE Select); coding-DNA position 2807, T replaced by G.
Protein change: p.Phe936Cys; replaces phenylalanine 936 with cysteine.
Molecular consequence: missense variant. On other transcripts: intron variant (8).
Genome position (GRCh38, 1-based): chr12:2,597,243, T>G. VCF-style: chr12-2597243-T-G. GRCh37 (hg19) VCF-style: chr12-2706409-T-G.
Other names: c.2807T>G, p.Phe936Cys (NM_001129827.2, NM_001129829.2, NM_001129831.2 and 10 more transcripts); c.2798T>G, p.Phe933Cys (NM_001129844.2); c.2794-194T>G (NM_001129840.2, NM_001129836.2, NM_001129841.2 and 5 more transcripts); short protein forms F933C, F936C.
Identifiers: ClinVar variation 858418 (VCV000858418.10), dbSNP rs762624889, ClinGen allele CA383372699.
Genomic context (GRCh38, chr12:2,597,243, plus strand): 5'-TCTCCCTTCCCCATCCCATCCCCACCCTGTTCCTTTTTGTTTTGCAGATTCTGTTTTATT[T>G]TGATATTGTTTTTACCACCATTTTCACCATTGAAATTGCTCTGAAGGTAAAGCCCCCATC-3'
Protein context (NP_000710.5, residues 926-946): TSFRNHILFY[Phe936Cys]DIVFTTIFTI

ClinVar aggregate classification (germline): Uncertain significance. Review status: criteria provided, multiple submitters, no conflicts (2 of 4 stars). 3 submissions from 3 submitters: Uncertain significance (3). Last evaluated 2024-12-03.

Conditions:
Cardiovascular phenotype. Identifiers: MedGen CN230736.
Long QT syndrome (LQTS). Identifiers: MedGen C0023976, MeSH D008133, MONDO:0002442. Disease mechanism: loss of function. Inheritance: Various modes of inheritance.

Allele frequency attached by ClinVar (database versions not stated): gnomAD exomes below 0.00001.
gnomAD v4.1: 6 of 1,611,814 alleles (0.00037%); highest among the groups gnomAD compares: Non-Finnish European, 0.00051%; no homozygotes.

Submissions (3):

GeneDx
Classification: Uncertain significance. Last evaluated: 2024-12-03. Review status: criteria provided, single submitter. Criteria: GeneDx Variant Classification Process June 2021. Collection method: clinical testing. Allele origin: germline. Affected: yes.
Comment: Not observed at significant frequency in large population cohorts (gnomAD); In silico analysis supports that this missense variant has a deleterious effect on protein structure/function; Has not been previously published as pathogenic or benign in association with a CACNA1C-related disorder to our knowledge; This variant is associated with the following publications: (PMID: 34436362)

Labcorp Genetics (formerly Invitae), Labcorp
Classification: Uncertain significance for Long QT syndrome. Last evaluated: 2024-05-17. Review status: criteria provided, single submitter. Criteria: Invitae Variant Classification Sherloc (09022015). Collection method: clinical testing. Allele origin: germline.
Comment: This sequence change replaces phenylalanine, which is neutral and non-polar, with cysteine, which is neutral and slightly polar, at codon 936 of the CACNA1C protein (p.Phe936Cys). This variant is not present in population databases (gnomAD no frequency). This variant has not been reported in the literature in individuals affected with CACNA1C-related conditions. ClinVar contains an entry for this variant (Variation ID: 858418). Advanced modeling of protein sequence and biophysical properties (such as structural, functional, and spatial information, amino acid conservation, physicochemical variation, residue mobility, and thermodynamic stability) has been performed at Invitae for this missense variant, however the output from this modeling did not meet the statistical confidence thresholds required to predict the impact of this variant on CACNA1C protein function. In summary, the available evidence is currently insufficient to determine the role of this variant in disease. Therefore, it has been classified as a Variant of Uncertain Significance.

Ambry Genetics
Classification: Uncertain significance for Cardiovascular phenotype. Last evaluated: 2023-02-18. Review status: criteria provided, single submitter. Criteria: Ambry Variant Classification Scheme 2023. Collection method: clinical testing. Allele origin: germline.
Comment: The p.F936C variant (also known as c.2807T>G), located in coding exon 21 of the CACNA1C gene, results from a T to G substitution at nucleotide position 2807. The phenylalanine at codon 936 is replaced by cysteine, an amino acid with highly dissimilar properties. This amino acid position is highly conserved in available vertebrate species. In addition, this alteration is predicted to be deleterious by in silico analysis. Since supporting evidence is limited at this time, the clinical significance of this alteration remains unclear.